The following is an entry in ClinVar:

NM_006230.4(POLD2):c.1220C>T (p.Thr407Ile)

Gene: POLD2 (DNA polymerase delta 2, accessory subunit; minus strand). Cytogenetic location: 7p13.
Variant type: single nucleotide variant.
Coding change: c.1220C>T on transcript NM_006230.4 (MANE Select); coding-DNA position 1220, C replaced by T.
Protein change: p.Thr407Ile; replaces threonine 407 with isoleucine.
Molecular consequence: missense variant.
Genome position (GRCh38, 1-based): chr7:44,115,324, G>A on the plus strand (C>T on the coding strand, the complement: POLD2 is on the minus strand). VCF-style: chr7-44115324-G-A. GRCh37 (hg19) VCF-style: chr7-44154923-G-A.
Other names: c.1220C>T, p.Thr407Ile (NM_001127218.3, NM_001256879.2); short protein forms T407I.
Identifiers: ClinVar variation 2878841 (VCV002878841.3), dbSNP rs530029438, ClinGen allele CA367379248.
Genomic context (GRCh38, chr7:44,115,324, plus strand): 5'-TCAGCCTGGGCCCCCAGAAGACAAAAATTACCTCGGATGATTTTGGAGCCAAAGCTGGGG[G>A]TGTTGCCACAAAAGTAGACATGCGGGCACTCTGGGAAGATGAACGGGTCAGTTTTGTAGA-3'
Protein context (NP_006221.3, residues 397-417): ECPHVYFCGN[Thr407Ile]PSFGSKIIRG

ClinVar aggregate classification (germline): Uncertain significance (1 of 4 stars; one submission).

gnomAD v4.1: 1 of 1,613,772 alleles (0.000062%); highest among the groups gnomAD compares: East Asian, 0.0022%; no homozygotes.

Submission:

Labcorp Genetics (formerly Invitae), Labcorp
Classification: Uncertain significance. Last evaluated: 2023-09-12. Review status: criteria provided, single submitter. Criteria: Invitae Variant Classification Sherloc (09022015). Collection method: clinical testing. Allele origin: germline.
Comment: In summary, the available evidence is currently insufficient to determine the role of this variant in disease. Therefore, it has been classified as a Variant of Uncertain Significance. Experimental studies and prediction algorithms are not available or were not evaluated, and the functional significance of this variant is currently unknown. This variant has not been reported in the literature in individuals affected with POLD2-related conditions. This variant is present in population databases (no rsID available, gnomAD 0.006%). This sequence change replaces threonine, which is neutral and polar, with isoleucine, which is neutral and non-polar, at codon 442 of the POLD2 protein (p.Thr442Ile).